The following is an entry in ClinVar:

ClinVar aggregate classification (germline): Uncertain significance (1 of 4 stars; one submission).

Allele frequency attached by ClinVar (database versions not stated): gnomAD exomes below 0.00001.
gnomAD v4.1: 2 of 1,518,510 alleles (0.00013%); no homozygotes.

Submission:

Labcorp Genetics (formerly Invitae), Labcorp
Classification: Uncertain significance. Last evaluated: 2021-10-27. Review status: criteria provided, single submitter. Criteria: Invitae Variant Classification Sherloc (09022015). Collection method: clinical testing. Allele origin: germline.
Comment: This sequence change replaces glycine, which is neutral and non-polar, with aspartic acid, which is acidic and polar, at codon 194 of the TCF3 protein (p.Gly194Asp). In summary, the available evidence is currently insufficient to determine the role of this variant in disease. Therefore, it has been classified as a Variant of Uncertain Significance. Algorithms developed to predict the effect of missense changes on protein structure and function are either unavailable or do not agree on the potential impact of this missense change (SIFT: "Not Available"; PolyPhen-2: "Possibly Damaging"; Align-GVGD: "Not Available"). This variant has not been reported in the literature in individuals affected with TCF3-related conditions. This variant is not present in population databases (gnomAD no frequency).

NM_003200.5(TCF3):c.581G>A (p.Gly194Asp)

Gene: TCF3 (transcription factor 3; minus strand). Cytogenetic location: 19p13.3.
Variant type: single nucleotide variant.
Coding change: c.581G>A on transcript NM_003200.5 (MANE Select); coding-DNA position 581, G replaced by A.
Protein change: p.Gly194Asp; replaces glycine 194 with aspartic acid.
Molecular consequence: missense variant.
Genome position (GRCh38, 1-based): chr19:1,622,384, C>T on the plus strand (G>A on the coding strand, the complement: TCF3 is on the minus strand). VCF-style: chr19-1622384-C-T. GRCh37 (hg19) VCF-style: chr19-1622383-C-T.
Other names: c.581G>A, p.Gly194Asp (NM_001136139.4, NM_001351778.2, NM_001351779.2); short protein forms G194D.
Identifiers: ClinVar variation 1514254 (VCV001514254.6), dbSNP rs2146145047, ClinGen allele CA403056178.